The following is an entry in ClinVar:

NM_001035.3(RYR2):c.3359C>T (p.Pro1120Leu)

Gene: RYR2 (ryanodine receptor 2; plus strand). Cytogenetic location: 1q43.
Variant type: single nucleotide variant.
Coding change: c.3359C>T on transcript NM_001035.3 (MANE Select); coding-DNA position 3359, C replaced by T.
Protein change: p.Pro1120Leu; replaces proline 1120 with leucine.
Molecular consequence: missense variant.
Genome position (GRCh38, 1-based): chr1:237,566,711, C>T. VCF-style: chr1-237566711-C-T. GRCh37 (hg19) VCF-style: chr1-237730011-C-T.
Other names: short protein forms P1120L.
Identifiers: ClinVar variation 3633789 (VCV003633789.2).

ClinVar aggregate classification (germline): Uncertain significance (1 of 4 stars; one submission).

Conditions:
Catecholaminergic polymorphic ventricular tachycardia 1. Also called: VENTRICULAR TACHYCARDIA, CATECHOLAMINERGIC POLYMORPHIC, 1, WITH OR WITHOUT ATRIAL DYSFUNCTION AND/OR DILATED CARDIOMYOPATHY; RYR2-Related Catecholaminergic Polymorphic Ventricular Tachycardia; VENTRICULAR TACHYCARDIA, STRESS-INDUCED POLYMORPHIC 1. Identifiers: Orphanet 3286, MedGen C1631597, MONDO:0011484, OMIM 604772.

Submission:

Labcorp Genetics (formerly Invitae), Labcorp
Classification: Uncertain significance for Catecholaminergic polymorphic ventricular tachycardia 1. Last evaluated: 2024-09-24. Review status: criteria provided, single submitter. Criteria: Invitae Variant Classification Sherloc (09022015). Collection method: clinical testing. Allele origin: germline.
Comment: This sequence change replaces proline, which is neutral and non-polar, with leucine, which is neutral and non-polar, at codon 1120 of the RYR2 protein (p.Pro1120Leu). This variant is not present in population databases (gnomAD no frequency). This variant has not been reported in the literature in individuals affected with RYR2-related conditions. Invitae Evidence Modeling of protein sequence and biophysical properties (such as structural, functional, and spatial information, amino acid conservation, physicochemical variation, residue mobility, and thermodynamic stability) indicates that this missense variant is not expected to disrupt RYR2 protein function with a negative predictive value of 95%. In summary, the available evidence is currently insufficient to determine the role of this variant in disease. Therefore, it has been classified as a Variant of Uncertain Significance.